The following is an entry in ClinVar:

ClinVar aggregate classification (germline): Uncertain significance (1 of 4 stars; one submission).

Submission:

Labcorp Genetics (formerly Invitae), Labcorp
Classification: Uncertain significance. Last evaluated: 2022-08-09. Review status: criteria provided, single submitter. Criteria: Invitae Variant Classification Sherloc (09022015). Collection method: clinical testing. Allele origin: germline.
Comment: This variant has not been reported in the literature in individuals affected with FAT4-related conditions. In summary, the available evidence is currently insufficient to determine the role of this variant in disease. Therefore, it has been classified as a Variant of Uncertain Significance. Advanced modeling of protein sequence and biophysical properties (such as structural, functional, and spatial information, amino acid conservation, physicochemical variation, residue mobility, and thermodynamic stability) performed at Invitae indicates that this missense variant is not expected to disrupt FAT4 protein function. ClinVar contains an entry for this variant (Variation ID: 1395443). This variant is not present in population databases (gnomAD no frequency). This sequence change replaces tyrosine, which is neutral and polar, with cysteine, which is neutral and slightly polar, at codon 4893 of the FAT4 protein (p.Tyr4893Cys).

NM_001291303.3(FAT4):c.14684A>G (p.Tyr4895Cys)

Gene: FAT4 (FAT atypical cadherin 4; plus strand). Cytogenetic location: 4q28.1.
Variant type: single nucleotide variant.
Coding change: c.14684A>G on transcript NM_001291303.3 (MANE Select); coding-DNA position 14684, A replaced by G.
Protein change: p.Tyr4895Cys; replaces tyrosine 4895 with cysteine.
Molecular consequence: missense variant.
Genome position (GRCh38, 1-based): chr4:125,491,500, A>G. VCF-style: chr4-125491500-A-G. GRCh37 (hg19) VCF-style: chr4-126412655-A-G.
Other names: c.14681A>G, p.Tyr4894Cys (NM_001291285.3); c.14678A>G, p.Tyr4893Cys (NM_024582.6); short protein forms Y4895C, Y4893C, Y4894C.
Identifiers: ClinVar variation 1395443 (VCV001395443.8), dbSNP rs1727640929, ClinGen allele CA358143255.